The following is an entry in ClinVar:

NM_001044385.3(TMEM237):c.683T>C (p.Ile228Thr)

Gene: TMEM237 (transmembrane protein 237; minus strand). Cytogenetic location: 2q33.1.
Variant type: single nucleotide variant.
Coding change: c.683T>C on transcript NM_001044385.3 (MANE Select); coding-DNA position 683, T replaced by C.
Protein change: p.Ile228Thr; replaces isoleucine 228 with threonine.
Molecular consequence: missense variant.
Genome position (GRCh38, 1-based): chr2:201,629,416, A>G on the plus strand (T>C on the coding strand, the complement: TMEM237 is on the minus strand). VCF-style: chr2-201629416-A-G. GRCh37 (hg19) VCF-style: chr2-202494139-A-G.
Other names: c.659T>C, p.Ile220Thr (NM_152388.4); short protein forms I228T, I220T.
Identifiers: ClinVar variation 1918054 (VCV001918054.5), dbSNP rs752096103, ClinGen allele CA2056409.

ClinVar aggregate classification (germline): Uncertain significance (1 of 4 stars; one submission).

Conditions:
Joubert syndrome 14 (JBTS14). Identifiers: MedGen C3280766, MONDO:0013745, OMIM 614424.

Allele frequency attached by ClinVar (database versions not stated): gnomAD exomes 0.00001; TOPMed 0.00001; ExAC 0.00003.
gnomAD v4.1: 13 of 1,558,752 alleles (0.00083%); highest among the groups gnomAD compares: Non-Finnish European, 0.000086%; no homozygotes.

Submission:

Labcorp Genetics (formerly Invitae), Labcorp
Classification: Uncertain significance for Joubert syndrome 14. Last evaluated: 2022-06-26. Review status: criteria provided, single submitter. Criteria: Invitae Variant Classification Sherloc (09022015). Collection method: clinical testing. Allele origin: germline.
Comment: In summary, the available evidence is currently insufficient to determine the role of this variant in disease. Therefore, it has been classified as a Variant of Uncertain Significance. Algorithms developed to predict the effect of missense changes on protein structure and function are either unavailable or do not agree on the potential impact of this missense change (SIFT: "Deleterious"; PolyPhen-2: "Benign"; Align-GVGD: "Class C25"). This variant has not been reported in the literature in individuals affected with TMEM237-related conditions. This variant is present in population databases (rs752096103, gnomAD 0.05%). This sequence change replaces isoleucine, which is neutral and non-polar, with threonine, which is neutral and polar, at codon 228 of the TMEM237 protein (p.Ile228Thr).